The following is an entry in ClinVar:

ClinVar aggregate classification (germline): Benign/Likely benign. Review status: criteria provided, multiple submitters, no conflicts (2 of 4 stars). 8 submissions from 8 submitters: Benign (1); Likely benign (6). 1 of the submissions does not count toward it. Last evaluated 2026-01-27.

Conditions:
Familial thoracic aortic aneurysm and aortic dissection (TAAD). Also called: Thoracic aortic aneurysms and dissections. Identifiers: Orphanet 91387, MedGen C4707243, MONDO:0019625.
Heterotopia, periventricular, X-linked dominant (PVNH1). Also called: X-linked periventricular heterotopia; PERIVENTRICULAR NODULAR HETEROTOPIA 1; PERIVENTRICULAR NODULAR HETEROTOPIA 4; HETEROTOPIA, PERIVENTRICULAR, 1. Identifiers: Orphanet 2149, Orphanet 82004, MedGen C1848213, MONDO:0010233, OMIM 300049.
Melnick-Needles syndrome (MNS). Also called: Melnick-Needles Syndrome (FLNA-MNS); MELNICK-NEEDLES OSTEODYSPLASTY; OSTEODYSPLASTY OF MELNICK AND NEEDLES. Identifiers: Orphanet 2484, MedGen C0025237, MONDO:0010650, OMIM 309350.
Frontometaphyseal dysplasia (FMD1). Identifiers: Orphanet 1826, MedGen C0265293, MONDO:0015942.
Oto-palato-digital syndrome, type II (OPD2). Also called: Otopalatodigital Syndrome, Type II; Otopalatodigital Syndrome Type 2 (FLNA-OPD2); FACIOPALATOOSSEOUS SYNDROME; OPD II SYNDROME. Identifiers: Orphanet 669, Orphanet 90652, MedGen C1844696, MONDO:0010571, OMIM 304120.
FLNA-related disorder.
Intestinal pseudoobstruction, neuronal, chronic idiopathic, X-linked (CIIPX). Also called: FLNA-Related Periventricular Nodular Heterotopia (FLNA-Related PVNH; Huttenlocher Syndrome); INTESTINAL PSEUDOOBSTRUCTION, NEURONAL, CHRONIC IDIOPATHIC, WITH CENTRAL NERVOUS SYSTEM INVOLVEMENT; CONGENITAL IDIOPATHIC INTESTINAL PSEUDOOBSTRUCTION. Identifiers: Orphanet 2301, MedGen C2746068, MONDO:0010232, OMIM 300048.
FG syndrome 2 (FGS2). Identifiers: MedGen C1845902, MONDO:0010297, OMIM 300321.
Terminal osseous dysplasia-pigmentary defects syndrome. Also called: ODPD; TERMINAL OSSEOUS DYSPLASIA AND PIGMENTARY DEFECTS; Terminal Osseous Dysplasia (FLNA-TOD); ODPF SYNDROME; OSSEOUS DYSPLASIA, DIGITAL, WITH FACIAL PIGMENTARY DEFECTS AND MULTIPLE FRENULA. Identifiers: Orphanet 88630, MedGen C1846129, MONDO:0010279, OMIM 300244.
Frontometaphyseal dysplasia 1 (FMD1). Also called: Frontometaphyseal Dysplasia (FLNA-FMD). Identifiers: Orphanet 1826, MedGen C4281559, MONDO:0024550, OMIM 305620.
Cardiac valvular dysplasia, X-linked (CVDPX). Also called: VALVULAR HEART DISEASE, CONGENITAL; Congenital valvular dysplasia; Isolated X-Linked Cardiac Valvular Dysplasia; FLNA-Related X-linked Cardiac Valvular Dysplasia; MYXOMATOUS VALVULAR DYSTROPHY, X-LINKED. Identifiers: Orphanet 1864, Orphanet 555877, Orphanet 75497, MedGen C0262436, MONDO:0010753, OMIM 314400.
Oto-palato-digital syndrome, type I (OPD1). Also called: Otopalatodigital Syndrome, Type I; Otopalatodigital Syndrome Type 1 (FLNA-OPD1); Taybi syndrome; OPD I SYNDROME; OPD SYNDROME 1. Identifiers: Orphanet 669, Orphanet 90650, MedGen C0265251, MONDO:0010704, OMIM 311300.

Allele frequency attached by ClinVar (database versions not stated): gnomAD exomes 0.00009; TOPMed 0.00011; ExAC 0.00015; gnomAD 0.00018.
gnomAD v4.1: 87 of 1,209,869 alleles (0.0072%); highest among the groups gnomAD compares: Middle Eastern, 0.046%; no homozygotes.

Submissions (8):

Labcorp Genetics (formerly Invitae), Labcorp
Classification: Benign for Oto-palato-digital syndrome, type II; Heterotopia, periventricular, X-linked dominant; Frontometaphyseal dysplasia; Melnick-Needles syndrome. Last evaluated: 2026-01-27. Review status: criteria provided, single submitter. Criteria: Invitae Variant Classification Sherloc (09022015). Collection method: clinical testing. Allele origin: germline.

Women's Health and Genetics/Laboratory Corporation of America, LabCorp
Classification: Likely benign. Last evaluated: 2025-11-10. Review status: criteria provided, single submitter. Criteria: LabCorp Variant Classification Summary - May 2015. Collection method: clinical testing. Allele origin: germline.
Comment: Variant summary: FLNA c.958G>A (p.Val320Met) results in a conservative amino acid change in the encoded protein sequence. Algorithms developed to predict the effect of missense changes on protein structure and function are either unavailable or do not agree on the potential impact of this missense change. The variant allele was found at a frequency of 9.4e-05 in 180795 control chromosomes including 7 hemizygotes. The observed variant frequency exceeds the estimated maximal expected allele frequency for disease-causing variants in FLNA. To our knowledge, no occurrence of c.958G>A in individuals affected with FLNA-related conditions and no experimental evidence demonstrating its impact on protein function have been reported. ClinVar contains an entry for this variant (Variation ID: 701764). Based on the evidence outlined above, the variant was classified as likely benign.

CeGaT Center for Human Genetics Tuebingen
Classification: Likely benign. Last evaluated: 2025-01-01. Review status: criteria provided, single submitter. Criteria: CeGaT Center For Human Genetics Tuebingen Variant Classification Criteria Version 2. Collection method: clinical testing. Allele origin: germline. Affected: yes. Observed: 3 variant alleles.
Comment: FLNA: BS2

Blueprint Genetics
Classification: Likely benign. Last evaluated: 2024-09-23. Review status: criteria provided, single submitter. Criteria: ACMG Guidelines, 2015. Collection method: clinical testing. Allele origin: germline.

Department of Pathology and Laboratory Medicine, Sinai Health System
Classification: Likely benign for Intestinal pseudoobstruction, neuronal, chronic idiopathic, X-linked; Heterotopia, periventricular, X-linked dominant; Terminal osseous dysplasia-pigmentary defects syndrome; FG syndrome 2; Oto-palato-digital syndrome, type II; Frontometaphyseal dysplasia 1; Melnick-Needles syndrome; Oto-palato-digital syndrome, type I; Cardiac valvular dysplasia, X-linked. Last evaluated: 2021-09-29. Review status: criteria provided, single submitter. Criteria: ACMG Guidelines, 2015. Collection method: research. Allele origin: germline.

GeneDx
Classification: Likely benign. Last evaluated: 2020-05-29. Review status: criteria provided, single submitter. Criteria: GeneDx Variant Classification Process June 2021. Collection method: clinical testing. Allele origin: germline. Affected: yes.

Ambry Genetics
Classification: Likely benign for Familial thoracic aortic aneurysm and aortic dissection. Last evaluated: 2020-05-04. Review status: criteria provided, single submitter. Criteria: Ambry Variant Classification Scheme 2023. Collection method: clinical testing. Allele origin: germline.

PreventionGenetics, part of Exact Sciences
Classification: Likely benign for FLNA-related condition. Last evaluated: 2024-08-09. Review status: no assertion criteria provided. Collection method: clinical testing. Allele origin: germline. Not counted in ClinVar's aggregate classification.
Comment: This variant is classified as likely benign based on ACMG/AMP sequence variant interpretation guidelines (Richards et al. 2015 PMID: 25741868, with internal and published modifications).

NM_001110556.2(FLNA):c.958G>A (p.Val320Met)

Gene: FLNA (filamin A; minus strand). Cytogenetic location: Xq28.
Variant type: single nucleotide variant.
Coding change: c.958G>A on transcript NM_001110556.2 (MANE Select); coding-DNA position 958, G replaced by A.
Protein change: p.Val320Met; replaces valine 320 with methionine.
Molecular consequence: missense variant.
Genome position (GRCh38, 1-based): chrX:154,366,761, C>T on the plus strand (G>A on the coding strand, the complement: FLNA is on the minus strand). VCF-style: chrX-154366761-C-T. GRCh37 (hg19) VCF-style: chrX-153595129-C-T.
Other names: c.958G>A (NM_001110556.1); c.958G>A, p.Val320Met (NM_001456.4); short protein forms V320M.
Identifiers: ClinVar variation 701764 (VCV000701764.42), dbSNP rs781889196, ClinGen allele CA10561323.